The following is an entry in ClinVar:

NM_001042681.2(RERE):c.202G>A (p.Ala68Thr)

Gene: RERE (arginine-glutamic acid dipeptide repeats; minus strand). Cytogenetic location: 1p36.23.
Variant type: single nucleotide variant.
Coding change: c.202G>A on transcript NM_001042681.2 (MANE Select); coding-DNA position 202, G replaced by A.
Protein change: p.Ala68Thr; replaces alanine 68 with threonine.
Molecular consequence: missense variant.
Genome position (GRCh38, 1-based): chr1:8,656,096, C>T on the plus strand (G>A on the coding strand, the complement: RERE is on the minus strand). VCF-style: chr1-8656096-C-T. GRCh37 (hg19) VCF-style: chr1-8716155-C-T.
Other names: c.202G>A, p.Ala68Thr (NM_012102.4); short protein forms A68T.
Identifiers: ClinVar variation 2083467 (VCV002083467.4), dbSNP rs1243578231, ClinGen allele CA338222902.
Genomic context (GRCh38, chr1:8,656,096, plus strand): 5'-TTTCATAACGAGACTTTTTTTTCGGTGGTTTCTTCTTATTCTTCTTCGTGGACTCCTCTG[C>T]GGTGGCACTATTGTTGTCATTGTCCTCGTCTTCACTGTGATCACTCTCAGCATAATTTTT-3'
Protein context (NP_001036146.1, residues 58-78): DEDNDNNSAT[Ala68Thr]EESTKKNKKK

ClinVar aggregate classification (germline): Uncertain significance (1 of 4 stars; one submission).

Allele frequency attached by ClinVar (database versions not stated): gnomAD exomes below 0.00001; gnomAD 0.00001.
gnomAD v4.1: 9 of 1,613,928 alleles (0.00056%); highest among the groups gnomAD compares: Admixed American, 0.0033%; no homozygotes.

Submission:

Labcorp Genetics (formerly Invitae), Labcorp
Classification: Uncertain significance. Last evaluated: 2022-03-24. Review status: criteria provided, single submitter. Criteria: Invitae Variant Classification Sherloc (09022015). Collection method: clinical testing. Allele origin: germline.
Comment: This sequence change replaces alanine, which is neutral and non-polar, with threonine, which is neutral and polar, at codon 68 of the RERE protein (p.Ala68Thr). This variant is present in population databases (no rsID available, gnomAD 0.004%). In summary, the available evidence is currently insufficient to determine the role of this variant in disease. Therefore, it has been classified as a Variant of Uncertain Significance. Advanced modeling of protein sequence and biophysical properties (such as structural, functional, and spatial information, amino acid conservation, physicochemical variation, residue mobility, and thermodynamic stability) performed at Invitae indicates that this missense variant is not expected to disrupt RERE protein function. This variant has not been reported in the literature in individuals affected with RERE-related conditions.